The following is an entry in ClinVar:

NM_000537.4(REN):c.14G>A (p.Arg5Lys)

Genes: REN (renin; minus strand), LOC107548112 (REN promoter and enhancer region; plus strand). Cytogenetic location: 1q32.1.
Variant type: single nucleotide variant.
Coding change: c.14G>A on transcript NM_000537.4 (MANE Select); coding-DNA position 14, G replaced by A.
Protein change: p.Arg5Lys; replaces arginine 5 with lysine.
Molecular consequence: missense variant.
Genome position (GRCh38, 1-based): chr1:204,166,280, C>T on the plus strand (G>A on the coding strand, the complement: REN is on the minus strand). VCF-style: chr1-204166280-C-T. GRCh37 (hg19) VCF-style: chr1-204135408-C-T.
Other names: short protein forms R5K.
Identifiers: ClinVar variation 4727478 (VCV004727478.1).

ClinVar aggregate classification (germline): Uncertain significance (1 of 4 stars; one submission).

gnomAD v4.1: 3 of 1,614,230 alleles (0.00019%); highest among the groups gnomAD compares: South Asian, 0.0033%; no homozygotes.

Submission:

Labcorp Genetics (formerly Invitae), Labcorp
Classification: Uncertain significance. Last evaluated: 2025-09-20. Review status: criteria provided, single submitter. Criteria: Invitae Variant Classification Sherloc (09022015). Collection method: clinical testing. Allele origin: germline.
Comment: This sequence change replaces arginine, which is basic and polar, with lysine, which is basic and polar, at codon 5 of the REN protein (p.Arg5Lys). This variant is not present in population databases (gnomAD no frequency). This variant has not been reported in the literature in individuals affected with REN-related conditions. An algorithm developed to predict the effect of missense changes on protein structure and function (PolyPhen-2) suggests that this variant is likely to be tolerated. In summary, the available evidence is currently insufficient to determine the role of this variant in disease. Therefore, it has been classified as a Variant of Uncertain Significance.